The following is an entry in ClinVar:

NM_001904.4(CTNNB1):c.2191A>G (p.Met731Val)

Gene: CTNNB1 (catenin beta 1; plus strand). Cytogenetic location: 3p22.1.
Variant type: single nucleotide variant.
Coding change: c.2191A>G on transcript NM_001904.4 (MANE Select); coding-DNA position 2191, A replaced by G.
Protein change: p.Met731Val; replaces methionine 731 with valine.
Molecular consequence: missense variant.
Genome position (GRCh38, 1-based): chr3:41,239,187, A>G. VCF-style: chr3-41239187-A-G. GRCh37 (hg19) VCF-style: chr3-41280678-A-G.
Other names: c.2191A>G, p.Met731Val (NM_001098209.2, NM_001098210.2); c.2170A>G, p.Met724Val (NM_001330729.2); short protein forms M731V, M724V.
Identifiers: ClinVar variation 2815270 (VCV002815270.3), dbSNP rs1293529882, ClinGen allele CA352237358.

ClinVar aggregate classification (germline): Uncertain significance (1 of 4 stars; one submission).

Allele frequency attached by ClinVar (database versions not stated): TOPMed below 0.00001; gnomAD 0.00001; gnomAD exomes below 0.00001.

Submission:

Labcorp Genetics (formerly Invitae), Labcorp
Classification: Uncertain significance. Last evaluated: 2023-11-27. Review status: criteria provided, single submitter. Criteria: Invitae Variant Classification Sherloc (09022015). Collection method: clinical testing. Allele origin: germline.
Comment: This sequence change replaces methionine, which is neutral and non-polar, with valine, which is neutral and non-polar, at codon 731 of the CTNNB1 protein (p.Met731Val). This variant is not present in population databases (gnomAD no frequency). This variant has not been reported in the literature in individuals affected with CTNNB1-related conditions. An algorithm developed to predict the effect of missense changes on protein structure and function (PolyPhen-2) suggests that this variant is likely to be tolerated. In summary, the available evidence is currently insufficient to determine the role of this variant in disease. Therefore, it has been classified as a Variant of Uncertain Significance.